The following is an entry in ClinVar:

ClinVar aggregate classification (germline): Benign. Review status: reviewed by expert panel (3 of 4 stars). 3 submissions from 3 submitters: Benign (1). 2 of the submissions do not count toward it. Last evaluated 2023-08-10.

Conditions:
Hereditary diffuse gastric adenocarcinoma (HDGC). Also called: DIFFUSE GASTRIC AND LOBULAR BREAST CANCER SYNDROME. Identifiers: Orphanet 26106, MedGen C1708349, MONDO:0007648, OMIM 137215.
CDH1-related diffuse gastric and lobular breast cancer syndrome. Also called: CDH1-related diffuse gastric and lobular breast cancer. Identifiers: MedGen CN311521, MONDO:0100488.

Allele frequency attached by ClinVar (database versions not stated): gnomAD 0.00001 and 0.00046; TOPMed 0.00009; gnomAD exomes 0.00249 and 0.00262; 1000 Genomes Project 0.00479; ExAC 0.00880.
gnomAD v4.1: 930 of 511,650 alleles (0.18%); highest among the groups gnomAD compares: South Asian, 1.4%; 12 homozygotes.

Submissions (3):

Clingen Gastric Cancer Variant Curation Expert Panel
Classification: Benign for CDH1-related diffuse gastric and lobular breast cancer syndrome. Last evaluated: 2023-08-10. Review status: reviewed by expert panel. Criteria: ClinGen CDH1 ACMG Specifications V3.1. Collection method: curation. Allele origin: germline. Inheritance: Autosomal dominant inheritance.
Comment: The NM_004360.5(CDH1):c.*774A>G variant has an allele frequency of 0.01471 (1.471%, 328/22292 alleles, 4 homozygotes) in the South Asian subpopulation of the gnomAD v2.1.1 cohort (BA1; BP2). Therefore, this variant meets criteria to be classified as benign. ACMG/AMP criteria applied, as specified by the CDH1 Variant Curation Expert Panel (Variant Interpretation Guidelines Version 3.1): BA1, BP2.

CeGaT Center for Human Genetics Tuebingen
Classification: Benign. Last evaluated: 2022-07-01. Review status: criteria provided, single submitter. Criteria: CeGaT Center For Human Genetics Tuebingen Variant Classification Criteria Version 2. Collection method: clinical testing. Allele origin: germline. Affected: yes. Observed: 1 variant allele. Not counted in ClinVar's aggregate classification.
Comment: CDH1: BS1, BS2

Illumina Laboratory Services, Illumina
Classification: Benign for Hereditary diffuse gastric adenocarcinoma. Last evaluated: 2018-01-13. Review status: criteria provided, single submitter. Criteria: ICSL Variant Classification Criteria 13 December 2019. Collection method: clinical testing. Allele origin: germline. Not counted in ClinVar's aggregate classification.
Comment: This variant was observed in the ICSL laboratory as part of a predisposition screen in an ostensibly healthy population. It had not been previously curated by ICSL or reported in the Human Gene Mutation Database (HGMD: prior to June 1st, 2018), and was therefore a candidate for classification through an automated scoring system. Utilizing variant allele frequency, disease prevalence and penetrance estimates, and inheritance mode, an automated score was calculated to assess if this variant is too frequent to cause the disease. Based on the score and internal cut-off values, a variant classified as benign is not then subjected to further curation. The score for this variant resulted in a classification of benign for this disease.

NM_004360.5(CDH1):c.*774A>G

Gene: CDH1 (cadherin 1; plus strand). Cytogenetic location: 16q22.1.
Variant type: single nucleotide variant.
Coding change: c.*774A>G on transcript NM_004360.5 (MANE Select); 774 bases downstream of the stop codon, A replaced by G.
Molecular consequence: 3 prime UTR variant.
Genome position (GRCh38, 1-based): chr16:68,834,273, A>G. VCF-style: chr16-68834273-A-G. GRCh37 (hg19) VCF-style: chr16-68868176-A-G.
Other names: c.*774A>G (NM_001317184.2, NM_001317185.2, NM_001317186.2 and 1 more transcripts).
Identifiers: ClinVar variation 320286 (VCV000320286.38), dbSNP rs549231645, ClinGen allele CA8130334.